The following is an entry in ClinVar:

ClinVar aggregate classification (germline): Uncertain significance (1 of 4 stars; one submission).

gnomAD v4.1: 2 of 1,613,686 alleles (0.00012%); highest among the groups gnomAD compares: Non-Finnish European, 0.00017%; no homozygotes.

Submission:

Ambry Genetics
Classification: Uncertain significance. Last evaluated: 2023-04-18. Review status: criteria provided, single submitter. Criteria: Ambry Variant Classification Scheme 2023. Collection method: clinical testing. Allele origin: germline.
Comment: The p.G770D variant (also known as c.2309G>A), located in coding exon 15 of the POLQ gene, results from a G to A substitution at nucleotide position 2309. The glycine at codon 770 is replaced by aspartic acid, an amino acid with similar properties. This amino acid position is conserved. In addition, the in silico prediction for this alteration is inconclusive. Since supporting evidence is limited at this time, the clinical significance of this alteration remains unclear.

NM_199420.4(POLQ):c.2309G>A (p.Gly770Asp)

Gene: POLQ (DNA polymerase theta; minus strand). Cytogenetic location: 3q13.33.
Variant type: single nucleotide variant.
Coding change: c.2309G>A on transcript NM_199420.4 (MANE Select); coding-DNA position 2309, G replaced by A.
Protein change: p.Gly770Asp; replaces glycine 770 with aspartic acid.
Molecular consequence: missense variant.
Genome position (GRCh38, 1-based): chr3:121,493,691, C>T on the plus strand (G>A on the coding strand, the complement: POLQ is on the minus strand). VCF-style: chr3-121493691-C-T. GRCh37 (hg19) VCF-style: chr3-121212538-C-T.
Other names: short protein forms G770D.
Identifiers: ClinVar variation 2561727 (VCV002561727.2), dbSNP rs548307924, ClinGen allele CA354108246.